The following is an entry in ClinVar:

ClinVar aggregate classification (germline): Uncertain significance. Review status: criteria provided, multiple submitters, no conflicts (2 of 4 stars). 2 submissions from 2 submitters: Uncertain significance (2). Last evaluated 2025-10-13.

Conditions:
Medulloblastoma (MDB). Also called: MEDULLOBLASTOMA PREDISPOSITION SYNDROME; Medulloblastoma, somatic. Identifiers: Orphanet 616, MedGen C0025149, MeSH D008527, MONDO:0007959, OMIM 155255, HP:0002885.
Gorlin syndrome. Also called: Nevoid Basal Cell Carcinoma Syndrome; Basal cell nevus syndrome. Identifiers: Orphanet 377, MedGen C0004779, MONDO:0007187.
Hereditary cancer-predisposing syndrome. Also called: Neoplastic Syndromes, Hereditary; Tumor predisposition; Hereditary neoplastic syndrome; Hereditary Cancer Syndrome. Identifiers: Orphanet 140162, MedGen C0027672, MeSH D009386, MONDO:0015356.

Submissions (2):

Labcorp Genetics (formerly Invitae), Labcorp
Classification: Uncertain significance for Gorlin syndrome; Medulloblastoma. Last evaluated: 2025-10-13. Review status: criteria provided, single submitter. Criteria: Invitae Variant Classification Sherloc (09022015). Collection method: clinical testing. Allele origin: germline.
Comment: This sequence change replaces glutamic acid, which is acidic and polar, with valine, which is neutral and non-polar, at codon 306 of the SUFU protein (p.Glu306Val). This variant is not present in population databases (gnomAD no frequency). This variant has not been reported in the literature in individuals affected with SUFU-related conditions. ClinVar contains an entry for this variant (Variation ID: 1766062). Invitae Evidence Modeling of protein sequence and biophysical properties (such as structural, functional, and spatial information, amino acid conservation, physicochemical variation, residue mobility, and thermodynamic stability) indicates that this missense variant is not expected to disrupt SUFU protein function with a negative predictive value of 80%. In summary, the available evidence is currently insufficient to determine the role of this variant in disease. Therefore, it has been classified as a Variant of Uncertain Significance.

Ambry Genetics
Classification: Uncertain significance for Hereditary cancer-predisposing syndrome. Last evaluated: 2025-01-27. Review status: criteria provided, single submitter. Criteria: Ambry Variant Classification Scheme 2023. Collection method: clinical testing. Allele origin: germline.
Comment: The p.E306V variant (also known as c.917A>T), located in coding exon 8 of the SUFU gene, results from an A to T substitution at nucleotide position 917. The glutamic acid at codon 306 is replaced by valine, an amino acid with dissimilar properties. This amino acid position is conserved. In addition, this alteration is predicted to be deleterious by in silico analysis. Since supporting evidence is limited at this time, the clinical significance of this alteration remains unclear.

NM_016169.4(SUFU):c.917A>T (p.Glu306Val)

Gene: SUFU (SUFU negative regulator of hedgehog signaling; plus strand). Cytogenetic location: 10q24.32.
Variant type: single nucleotide variant.
Coding change: c.917A>T on transcript NM_016169.4 (MANE Select); coding-DNA position 917, A replaced by T.
Protein change: p.Glu306Val; replaces glutamic acid 306 with valine.
Molecular consequence: missense variant.
Genome position (GRCh38, 1-based): chr10:102,599,439, A>T. VCF-style: chr10-102599439-A-T. GRCh37 (hg19) VCF-style: chr10-104359196-A-T.
Other names: c.917A>T, p.Glu306Val (NM_001178133.2); short protein forms E306V.
Identifiers: ClinVar variation 1766062 (VCV001766062.4), dbSNP rs2545100300, ClinGen allele CA377911002.